The following is an entry in ClinVar:

ClinVar aggregate classification (germline): Uncertain significance (1 of 4 stars; one submission).

Allele frequency attached by ClinVar (database versions not stated): gnomAD exomes below 0.00001; gnomAD 0.00001; TOPMed 0.00002.
gnomAD v4.1: 3 of 1,613,152 alleles (0.00019%); highest among the groups gnomAD compares: Admixed American, 0.005%; no homozygotes.

Submission:

Labcorp Genetics (formerly Invitae), Labcorp
Classification: Uncertain significance. Last evaluated: 2021-07-16. Review status: criteria provided, single submitter. Criteria: Invitae Variant Classification Sherloc (09022015). Collection method: clinical testing. Allele origin: germline.
Comment: This sequence change replaces proline with leucine at codon 839 of the NEFH protein (p.Pro839Leu). The proline residue is highly conserved and there is a moderate physicochemical difference between proline and leucine. This variant is not present in population databases (ExAC no frequency). This variant has not been reported in the literature in individuals affected with NEFH-related conditions. Advanced modeling of protein sequence and biophysical properties (such as structural, functional, and spatial information, amino acid conservation, physicochemical variation, residue mobility, and thermodynamic stability) performed at Invitae indicates that this missense variant is not expected to disrupt NEFH protein function. In summary, the available evidence is currently insufficient to determine the role of this variant in disease. Therefore, it has been classified as a Variant of Uncertain Significance.

NM_021076.4(NEFH):c.2516C>T (p.Pro839Leu)

Gene: NEFH (neurofilament heavy chain; plus strand). Cytogenetic location: 22q12.2.
Variant type: single nucleotide variant.
Coding change: c.2516C>T on transcript NM_021076.4 (MANE Select); coding-DNA position 2516, C replaced by T.
Protein change: p.Pro839Leu; replaces proline 839 with leucine.
Molecular consequence: missense variant.
Genome position (GRCh38, 1-based): chr22:29,490,156, C>T. VCF-style: chr22-29490156-C-T. GRCh37 (hg19) VCF-style: chr22-29886145-C-T.
Other names: short protein forms P839L.
Identifiers: ClinVar variation 1372888 (VCV001372888.8), dbSNP rs1347655393, ClinGen allele CA411137915.
Genomic context (GRCh38, chr22:29,490,156, plus strand): 5'-AGGTGAAGTCCCCAGTGAAGGAGGAGGAGAAGCCCCAGGAGGTGAAAGTCAAAGAGCCCC[C>T]AAAGAAGGCAGAGGAAGAGAAAGCCCCTGCCACACCAAAAACAGAGGAGAAGAAGGACAG-3'
Protein context (NP_066554.2, residues 829-849): KPQEVKVKEP[Pro839Leu]KKAEEEKAPA